The following is an entry in ClinVar:

NM_015909.4(NBAS):c.4968C>T (p.Asp1656=)

Gene: NBAS (NBAS subunit of NRZ tethering complex; minus strand). Cytogenetic location: 2p24.3.
Variant type: single nucleotide variant.
Coding change: c.4968C>T on transcript NM_015909.4 (MANE Select); coding-DNA position 4968, C replaced by T.
Protein change: p.Asp1656=; no amino-acid change (aspartic acid 1656 retained).
Molecular consequence: synonymous variant. On other transcripts: non-coding transcript variant (1).
Genome position (GRCh38, 1-based): chr2:15,292,596, G>A on the plus strand (C>T on the coding strand, the complement: NBAS is on the minus strand). VCF-style: chr2-15292596-G-A. GRCh37 (hg19) VCF-style: chr2-15432720-G-A.
Identifiers: ClinVar variation 725063 (VCV000725063.35), dbSNP rs542221151, ClinGen allele CA1535441.

ClinVar aggregate classification (germline): Likely benign. Review status: criteria provided, multiple submitters, no conflicts (2 of 4 stars). 5 submissions from 5 submitters: Likely benign (3). 2 of the submissions do not count toward it. Last evaluated 2026-01-26.

Allele frequency attached by ClinVar (database versions not stated): ExAC 0.00005; gnomAD exomes 0.00005 and 0.00016; TOPMed 0.00008; gnomAD 0.00011 and 0.00012.
gnomAD v4.1: 242 of 1,614,030 alleles (0.015%); highest among the groups gnomAD compares: South Asian, 0.024%; no homozygotes.

Submissions (5):

Labcorp Genetics (formerly Invitae), Labcorp
Classification: Likely benign. Last evaluated: 2026-01-26. Review status: criteria provided, single submitter. Criteria: Invitae Variant Classification Sherloc (09022015). Collection method: clinical testing. Allele origin: germline.

Blueprint Genetics
Classification: Likely benign. Last evaluated: 2024-02-08. Review status: criteria provided, single submitter. Criteria: ACMG Guidelines, 2015. Collection method: clinical testing. Allele origin: germline.

CeGaT Center for Human Genetics Tuebingen
Classification: Likely benign. Last evaluated: 2022-06-01. Review status: criteria provided, single submitter. Criteria: CeGaT Center For Human Genetics Tuebingen Variant Classification Criteria Version 2. Collection method: clinical testing. Allele origin: germline. Affected: yes. Observed: 1 variant allele.
Comment: NBAS: BP4, BP7

Clinical Genetics, Academic Medical Center
Classification: Likely benign. Review status: no assertion criteria provided. Collection method: clinical testing. Allele origin: germline. Affected: yes. Study: VKGL Data-share Consensus. Not counted in ClinVar's aggregate classification.

Genome Diagnostics Laboratory, University Medical Center Utrecht
Classification: Likely benign. Review status: no assertion criteria provided. Collection method: clinical testing. Allele origin: germline. Affected: yes. Study: VKGL Data-share Consensus. Not counted in ClinVar's aggregate classification.